The following is an entry in ClinVar:

NM_000552.5(VWF):c.2098del (p.Asp700fs)

Gene: VWF (von Willebrand factor; minus strand). Cytogenetic location: 12p13.31.
Variant type: Deletion.
Coding change: c.2098del on transcript NM_000552.5 (MANE Select); coding-DNA position 2098, one base deleted (G; older notation c.2098delG).
Protein change: p.Asp700fs; shifts the reading frame from aspartic acid 700.
Molecular consequence: frameshift variant.
Genome position (GRCh38, 1-based): chr12:6,052,631, C deleted on the plus strand (G on the coding strand, the reverse complement: VWF is on the minus strand); the first of 6 consecutive C bases (chr12:6,052,631-6,052,636); deleting any one gives the same sequence. VCF-style (leftmost placement, unchanged base first): chr12-6052630-TC-T. GRCh37 (hg19) VCF-style: chr12-6161796-TC-T.
Other names: c.2098delG (NM_000552.5); short protein forms D700fs.
Identifiers: ClinVar variation 4849404 (VCV004849404.1).

ClinVar aggregate classification (germline): Likely pathogenic (1 of 4 stars; one submission).

Conditions:
von Willebrand disease type 3 (VWD3). Also called: Type 3 Von Willebrand's disease; Type 3 VWD; Von Willebrand disease, severe form; V WD3; VON WILLEBRAND DISEASE, TYPE III. Identifiers: Orphanet 166096, MedGen C1264041, MONDO:0010191, OMIM 277480.
von Willebrand disease type 2 (VWD2). Also called: VON WILLEBRAND DISEASE, TYPE II; VWD, TYPE 2; VON WILLEBRAND DISEASE, TYPE 2A/IIE; VON WILLEBRAND DISEASE, TYPE 2CB. Identifiers: Orphanet 166081, Orphanet 903, MedGen C1264040, MONDO:0013304, OMIM 613554.

Submission:

First Genomix Gene Laboratory, Genetic Diagnostics Department
Classification: Likely pathogenic for von Willebrand disease type 3; von Willebrand disease type 2. Last evaluated: 2025-05-28. Review status: criteria provided, single submitter. Criteria: ACMG Guidelines, 2015. Collection method: clinical testing. Allele origin: germline. Inheritance: Autosomal recessive inheritance. Affected: no. Observed: 1 variant allele.